The following is an entry in ClinVar:

NC_012920.1(MT-ATP6):m.9166T>C

Gene: MT-ATP6 (mitochondrially encoded ATP synthase 6; plus strand).
Variant type: single nucleotide variant.
Genome position: chrM-9166-T-C.
Identifiers: ClinVar variation 370051 (VCV000370051.5), dbSNP rs1057516063, ClinGen allele CA16040651.

ClinVar aggregate classification (germline): Uncertain significance. Review status: criteria provided, single submitter (1 of 4 stars). 3 submissions from 3 submitters: Uncertain significance (1). 2 of the submissions do not count toward it. Last evaluated 2019-10-17.

Conditions:
Mitochondrial disease. Also called: Mitochondrial disorders; Mitochondrial disorder. Identifiers: Orphanet 68380, MedGen C0751651, MeSH D028361, MONDO:0044970.
Leigh syndrome (NULS). Also called: Leigh Disease; Leigh's necrotizing encephalopathy; Leigh's disease; Leigh Syndrome (mtDNA deletion); LEIGH SYNDROME, NUCLEAR; Subacute necrotizing encephalopathy. Identifiers: Orphanet 506, MedGen C2931891, MONDO:0009723, OMIM 256000.
Optic neuropathy. Also called: Optic nerve disorder. Identifiers: MedGen C3887709, MONDO:0002135, HP:0001138.

Submissions (3):

Wong Mito Lab, Molecular and Human Genetics, Baylor College of Medicine
Classification: Uncertain significance for Leigh syndrome. Last evaluated: 2019-10-17. Review status: criteria provided, single submitter. Criteria: Modified ACMG Guidelines (Unpublished). Collection method: clinical testing. Allele origin: germline.
Comment: The NC_012920.1:m.9166T>C (YP_003024031.1:p.Phe214Leu) variant in MTATP6 gene is interpretated to be a Uncertain Significance variant based on the modified ACMG guidelines (unpublished). This variant meets the following evidence codes: PP3, PP7

Service de Génétique Médicale, Centre Hospitalier Universitaire de Nice-Université Côte d'Azur
Classification: Pathogenic for Mitochondrial disease. Last evaluated: 2019-10-01. Review status: no assertion criteria provided. Collection method: in vitro. Allele origin: not applicable. Inheritance: Mitochondrial inheritance. Not counted in ClinVar's aggregate classification.

Center for Neuroscience and Cell Biology, University of Coimbra, Portugal
Classification: Likely pathogenic for Optic neuropathy. Last evaluated: 2016-11-21. Review status: no assertion criteria provided. Collection method: clinical testing. Allele origin: unknown. Affected: yes. Observed: 1 variant allele. Not counted in ClinVar's aggregate classification.

Literature cited by the submitters: PubMed 28027978 (cited by Center for Neuroscience and Cell Biology, University of Coimbra, Portugal).